The following is an entry in ClinVar:

ClinVar aggregate classification (germline): Uncertain significance (1 of 4 stars; one submission).

Conditions:
Cataract 20 multiple types (CTRCT20). Also called: Membranous cataract. Identifiers: Orphanet 91492, MedGen C0524524, MONDO:0007284, OMIM 116100, HP:0010922.

Allele frequency attached by ClinVar (database versions not stated): gnomAD exomes below 0.00001.
gnomAD v4.1: 2 of 1,613,984 alleles (0.00012%); highest among the groups gnomAD compares: Admixed American, 0.0017%; no homozygotes.

Submission:

Labcorp Genetics (formerly Invitae), Labcorp
Classification: Uncertain significance for Cataract 20 multiple types. Last evaluated: 2024-12-02. Review status: criteria provided, single submitter. Criteria: Invitae Variant Classification Sherloc (09022015). Collection method: clinical testing. Allele origin: germline.
Comment: This sequence change replaces serine, which is neutral and polar, with threonine, which is neutral and polar, at codon 90 of the CRYGS protein (p.Ser90Thr). This variant is present in population databases (no rsID available, gnomAD 0.003%). This variant has not been reported in the literature in individuals affected with CRYGS-related conditions. ClinVar contains an entry for this variant (Variation ID: 1492005). An algorithm developed to predict the effect of missense changes on protein structure and function (PolyPhen-2) suggests that this variant is likely to be tolerated. In summary, the available evidence is currently insufficient to determine the role of this variant in disease. Therefore, it has been classified as a Variant of Uncertain Significance.

NM_017541.4(CRYGS):c.269G>C (p.Ser90Thr)

Gene: CRYGS (crystallin gamma S; minus strand). Cytogenetic location: 3q27.3.
Variant type: single nucleotide variant.
Coding change: c.269G>C on transcript NM_017541.4 (MANE Select); coding-DNA position 269, G replaced by C.
Protein change: p.Ser90Thr; replaces serine 90 with threonine.
Molecular consequence: missense variant.
Genome position (GRCh38, 1-based): chr3:186,538,964, C>G on the plus strand (G>C on the coding strand, the complement: CRYGS is on the minus strand). VCF-style: chr3-186538964-C-G. GRCh37 (hg19) VCF-style: chr3-186256753-C-G.
Other names: short protein forms S90T.
Identifiers: ClinVar variation 1492005 (VCV001492005.6), dbSNP rs1275239379, ClinGen allele CA355703773.